The following is an entry in ClinVar:

NM_000059.4(BRCA2):c.4750G>A (p.Glu1584Lys)

Gene: BRCA2 (BRCA2 DNA repair associated; plus strand). Cytogenetic location: 13q13.1.
Variant type: single nucleotide variant.
Coding change: c.4750G>A on transcript NM_000059.4 (MANE Select); coding-DNA position 4750, G replaced by A.
Protein change: p.Glu1584Lys; replaces glutamic acid 1584 with lysine.
Molecular consequence: missense variant.
Genome position (GRCh38, 1-based): chr13:32,339,105, G>A. VCF-style: chr13-32339105-G-A. GRCh37 (hg19) VCF-style: chr13-32913242-G-A.
Other names: short protein forms E1584K.
Identifiers: ClinVar variation 1482496 (VCV001482496.9), dbSNP rs745632282, ClinGen allele CA387783081.

ClinVar aggregate classification (germline): Conflicting classifications of pathogenicity. Review status: criteria provided, conflicting classifications (1 of 4 stars). 2 submissions from 2 submitters: Uncertain significance (1); Likely benign (1). Last evaluated 2023-03-23.

Conditions:
Hereditary cancer-predisposing syndrome. Also called: Tumor predisposition; Hereditary Cancer Syndrome; Hereditary neoplastic syndrome; Neoplastic Syndromes, Hereditary. Identifiers: Orphanet 140162, MedGen C0027672, MeSH D009386, MONDO:0015356.
Hereditary breast ovarian cancer syndrome. Also called: Hereditary breast and ovarian cancer; BRCA1- and BRCA2-Associated Hereditary Breast and Ovarian Cancer; Hereditary breast and ovarian cancer syndrome; Hereditary breast and ovarian cancer syndrome (HBOC); Breast and ovarian cancer; Hereditary breast and/or ovarian cancer syndrome. Identifiers: Orphanet 145, MedGen C0677776, MeSH D061325, MONDO:0003582. Disease mechanism: loss of function.

Submissions (2):

University of Washington Department of Laboratory Medicine, University of Washington
Classification: Likely benign for Hereditary cancer-predisposing syndrome. Last evaluated: 2023-03-23. Review status: criteria provided, single submitter. Criteria: Dines et al. (Genet Med. 2020). Collection method: curation. Allele origin: germline.
Comment: Missense variant in a coldspot region where missense variants are very unlikely to be pathogenic (PMID:31911673).

BRCA2 exon 11 coldspot. Reclassification based on statistical prior probability.

Labcorp Genetics (formerly Invitae), Labcorp
Classification: Uncertain significance for Hereditary breast ovarian cancer syndrome. Last evaluated: 2021-06-02. Review status: criteria provided, single submitter. Criteria: Invitae Variant Classification Sherloc (09022015). Collection method: clinical testing. Allele origin: germline.
Comment: In summary, the available evidence is currently insufficient to determine the role of this variant in disease. Therefore, it has been classified as a Variant of Uncertain Significance. Advanced modeling of protein sequence and biophysical properties (such as structural, functional, and spatial information, amino acid conservation, physicochemical variation, residue mobility, and thermodynamic stability) performed at Invitae indicates that this missense variant is not expected to disrupt BRCA2 protein function. This variant has not been reported in the literature in individuals with BRCA2-related conditions. This variant is not present in population databases (ExAC no frequency). This sequence change replaces glutamic acid with lysine at codon 1584 of the BRCA2 protein (p.Glu1584Lys). The glutamic acid residue is weakly conserved and there is a small physicochemical difference between glutamic acid and lysine.